The following is an entry in ClinVar:

ClinVar aggregate classification (germline): Benign (0 of 4 stars; one submission).

Conditions:
PPP2R3A-related disorder. Also called: PPP2R3A-related condition.

Allele frequency attached by ClinVar (database versions not stated): 1000 Genomes Project 0.14237; 1000 Genomes Project 30x 0.14428; TOPMed 0.21721; gnomAD 0.23057; ESP Exome Variant Server 0.24158; ExAC 0.25400; gnomAD exomes 0.29922.
gnomAD v4.1: 471,496 of 1,613,762 alleles (29%); highest among the groups gnomAD compares: Non-Finnish European, 32%; 73,912 homozygotes.

Submissions (2):

PreventionGenetics, part of Exact Sciences
Classification: Benign for PPP2R3A-related condition. Last evaluated: 2019-10-30. Review status: no assertion criteria provided. Collection method: clinical testing. Allele origin: germline.
Comment: This variant is classified as benign based on ACMG/AMP sequence variant interpretation guidelines (Richards et al. 2015 PMID: 25741868, with internal and published modifications).

Dr. Peter K. Rogan Lab, Western University
No classification provided (evidence only). Condition: Malignant lymphoma, large B-cell, diffuse. Review status: no classification provided. Collection method: in vitro. Allele origin: not applicable. Functional consequence: retained intron. Not counted in ClinVar's aggregate classification.

NM_002718.5(PPP2R3A):c.200A>G (p.Asp67Gly)

Gene: PPP2R3A (protein phosphatase 2 regulatory subunit B''alpha; plus strand). Cytogenetic location: 3q22.3.
Variant type: single nucleotide variant.
Coding change: c.200A>G on transcript NM_002718.5 (MANE Select); coding-DNA position 200, A replaced by G.
Protein change: p.Asp67Gly; replaces aspartic acid 67 with glycine.
Molecular consequence: missense variant. On other transcripts: intron variant (1).
Genome position (GRCh38, 1-based): chr3:136,001,698, A>G. VCF-style: chr3-136001698-A-G. GRCh37 (hg19) VCF-style: chr3-135720540-A-G.
Other names: NC_000003.11:g.135720540A>G; c.-213-25134A>G (NM_001190447.2); short protein forms D67G.
Identifiers: ClinVar variation 3055861 (VCV003055861.3), dbSNP rs9814557, ClinGen allele CA2630361.